The following is an entry in ClinVar:

NM_078480.3(PUF60):c.1508A>G (p.Gln503Arg)

Gene: PUF60 (poly(U) binding splicing factor 60; minus strand). Cytogenetic location: 8q24.3.
Variant type: single nucleotide variant.
Coding change: c.1508A>G on transcript NM_078480.3 (MANE Select); coding-DNA position 1508, A replaced by G.
Protein change: p.Gln503Arg; replaces glutamine 503 with arginine.
Molecular consequence: missense variant.
Genome position (GRCh38, 1-based): chr8:143,816,692, T>C on the plus strand (A>G on the coding strand, the complement: PUF60 is on the minus strand). VCF-style: chr8-143816692-T-C. GRCh37 (hg19) VCF-style: chr8-144898862-T-C.
Other names: c.1379A>G, p.Gln460Arg (NM_001136033.3); c.1454A>G, p.Gln485Arg (NM_001271096.2); c.1370A>G, p.Gln457Arg (NM_001271097.2); c.1505A>G, p.Gln502Arg (NM_001271098.2); c.1421A>G, p.Gln474Arg (NM_001271099.2); c.1328A>G, p.Gln443Arg (NM_001271100.2); c.1619A>G, p.Gln540Arg (NM_001362895.2, NM_001362896.2); c.1568A>G, p.Gln523Arg (NM_001362897.2); and 1 more; short protein forms Q443R, Q457R, Q460R, Q474R, Q485R, Q486R, Q502R, Q503R.
Identifiers: ClinVar variation 3773687 (VCV003773687.2).
Genomic context (GRCh38, chr8:143,816,692, plus strand): 5'-GAGGCTATGGAAAACTCCACAAAGATCTTGACAATGATTTCTGCATCCTCCTCCTCGCCT[T>C]GTTTCTCTTGGTAGATGATGACGCGGTTCACGGCCCCGAACTTGCCACACTCCTCTGTCA-3'
Protein context (NP_510965.1, residues 493-513): VNRVIIYQEK[Gln503Arg]GEEEDAEIIV

ClinVar aggregate classification (germline): Uncertain significance (1 of 4 stars; one submission).

Conditions:
8q24.3 microdeletion syndrome. Also called: Verheij syndrome; CHROMOSOME 8q24.3 DELETION SYNDROME. Identifiers: Orphanet 508488, MedGen C3810023, MONDO:0014263, OMIM 615583.

Submission:

Institute of Human Genetics, University of Leipzig Medical Center
Classification: Uncertain significance for 8q24.3 microdeletion syndrome. Last evaluated: 2025-03-04. Review status: criteria provided, single submitter. Criteria: ACMG Guidelines, 2015. Collection method: clinical testing. Allele origin: unknown. Inheritance: Autosomal dominant inheritance. Affected: yes.
Comment: Criteria applied: PM2,PP2,BP4